The following is an entry in ClinVar:

ClinVar aggregate classification (germline): Uncertain significance (1 of 4 stars; one submission).

Submission:

Dasa
Classification: Uncertain significance. Last evaluated: 2025-08-13. Review status: criteria provided, single submitter. Criteria: DASA Assertion Criteria. Collection method: clinical testing. Allele origin: germline.
Comment: NM_001379403.1(WDR26):c.1054G>A (p.Val352Ile) is a missense variant that results in the substitution of valine with isoleucine. This variant is rare in population databases. Computational prediction algorithms are consistent with a benign effect. The currently available literature and clinical evidence are not sufficient to establish a definitive association between this variant and the reported condition. Therefore, this variant is classified as a variant of uncertain significance.

NM_001379403.1(WDR26):c.1054G>A (p.Val352Ile)

Gene: WDR26 (WD repeat domain 26; minus strand). Cytogenetic location: 1q42.12.
Variant type: single nucleotide variant.
Coding change: c.1054G>A on transcript NM_001379403.1 (MANE Select); coding-DNA position 1054, G replaced by A.
Protein change: p.Val352Ile; replaces valine 352 with isoleucine.
Molecular consequence: missense variant.
Genome position (GRCh38, 1-based): chr1:224,424,528, C>T on the plus strand (G>A on the coding strand, the complement: WDR26 is on the minus strand). VCF-style: chr1-224424528-C-T. GRCh37 (hg19) VCF-style: chr1-224612230-C-T.
Other names: c.706G>A, p.Val236Ile (NM_001115113.3); c.754G>A, p.Val252Ile (NM_025160.7); short protein forms V236I, V252I, V352I.
Identifiers: ClinVar variation 4885198 (VCV004885198.2).